The following is an entry in ClinVar:

NM_001318510.2(ACSL4):c.1211C>A (p.Pro404Gln)

Gene: ACSL4 (acyl-CoA synthetase long chain family member 4; minus strand). Cytogenetic location: Xq23.
Variant type: single nucleotide variant.
Coding change: c.1211C>A on transcript NM_001318510.2 (MANE Select); coding-DNA position 1211, C replaced by A.
Protein change: p.Pro404Gln; replaces proline 404 with glutamine.
Molecular consequence: missense variant.
Genome position (GRCh38, 1-based): chrX:109,668,205, G>T on the plus strand (C>A on the coding strand, the complement: ACSL4 is on the minus strand). VCF-style: chrX-109668205-G-T. GRCh37 (hg19) VCF-style: chrX-108911434-G-T.
Other names: c.1334C>A, p.Pro445Gln (NM_001318509.2, NM_022977.3); c.1211C>A, p.Pro404Gln (NM_004458.3); short protein forms P404Q, P445Q.
Identifiers: ClinVar variation 3373454 (VCV003373454.1).

ClinVar aggregate classification (germline): Uncertain significance (1 of 4 stars; one submission).

Submission:

GeneDx
Classification: Uncertain significance. Last evaluated: 2024-03-01. Review status: criteria provided, single submitter. Criteria: GeneDx Variant Classification Process June 2021. Collection method: clinical testing. Allele origin: germline. Affected: yes.
Comment: Not observed at significant frequency in large population cohorts (gnomAD); In silico analysis supports that this missense variant has a deleterious effect on protein structure/function; Has not been previously published as pathogenic or benign to our knowledge